The following is an entry in ClinVar:

ClinVar aggregate classification (germline): Uncertain significance (1 of 4 stars; one submission).

Conditions:
Retinitis pigmentosa 71 (RP71). Identifiers: Orphanet 791, MedGen C4225342, MONDO:0014618, OMIM 616394.
Short-rib thoracic dysplasia 10 with or without polydactyly (SRTD10). Identifiers: Orphanet 474, MedGen C3810175, MONDO:0014284, OMIM 615630.

Allele frequency attached by ClinVar (database versions not stated): gnomAD exomes 0.00001.

Submission:

Labcorp Genetics (formerly Invitae), Labcorp
Classification: Uncertain significance for Retinitis pigmentosa 71; Short-rib thoracic dysplasia 10 with or without polydactyly. Last evaluated: 2025-01-06. Review status: criteria provided, single submitter. Criteria: Invitae Variant Classification Sherloc (09022015). Collection method: clinical testing. Allele origin: germline.
Comment: This sequence change replaces valine, which is neutral and non-polar, with isoleucine, which is neutral and non-polar, at codon 1550 of the IFT172 protein (p.Val1550Ile). This variant is not present in population databases (gnomAD no frequency). This variant has not been reported in the literature in individuals affected with IFT172-related conditions. ClinVar contains an entry for this variant (Variation ID: 567601). Invitae Evidence Modeling of protein sequence and biophysical properties (such as structural, functional, and spatial information, amino acid conservation, physicochemical variation, residue mobility, and thermodynamic stability) indicates that this missense variant is not expected to disrupt IFT172 protein function with a negative predictive value of 95%. In summary, the available evidence is currently insufficient to determine the role of this variant in disease. Therefore, it has been classified as a Variant of Uncertain Significance.

NM_015662.3(IFT172):c.4648G>A (p.Val1550Ile)

Gene: IFT172 (intraflagellar transport 172; minus strand). Cytogenetic location: 2p23.3.
Variant type: single nucleotide variant.
Coding change: c.4648G>A on transcript NM_015662.3 (MANE Select); coding-DNA position 4648, G replaced by A.
Protein change: p.Val1550Ile; replaces valine 1550 with isoleucine.
Molecular consequence: missense variant.
Genome position (GRCh38, 1-based): chr2:27,447,526, C>T on the plus strand (G>A on the coding strand, the complement: IFT172 is on the minus strand). VCF-style: chr2-27447526-C-T. GRCh37 (hg19) VCF-style: chr2-27670393-C-T.
Other names: short protein forms V1550I.
Identifiers: ClinVar variation 567601 (VCV000567601.8), dbSNP rs779801761, ClinGen allele CA346416475.